The following is an entry in ClinVar:

NM_006493.4(CLN5):c.775A>G (p.Ile259Val)

Gene: CLN5 (CLN5 intracellular trafficking protein; plus strand). Cytogenetic location: 13q22.3.
Variant type: single nucleotide variant.
Coding change: c.775A>G on transcript NM_006493.4 (MANE Select); coding-DNA position 775, A replaced by G.
Protein change: p.Ile259Val; replaces isoleucine 259 with valine.
Molecular consequence: missense variant. On other transcripts: 3 prime UTR variant (1).
Genome position (GRCh38, 1-based): chr13:77,000,667, A>G. VCF-style: chr13-77000667-A-G. GRCh37 (hg19) VCF-style: chr13-77574802-A-G.
Other names: c.922A>G (LRG_692t1); c.*224A>G (NM_001366624.2); short protein forms I259V.
Identifiers: ClinVar variation 205131 (VCV000205131.4), dbSNP rs794727641, ClinGen allele CA313879.

ClinVar aggregate classification (germline): Uncertain significance (1 of 4 stars; one submission).

Allele frequency attached by ClinVar (database versions not stated): gnomAD exomes below 0.00001.
gnomAD v4.1: 1 of 1,614,122 alleles (0.000062%); highest among the groups gnomAD compares: Non-Finnish European, 0.000085%; no homozygotes.

Submission:

GeneDx
Classification: Uncertain significance. Last evaluated: 2019-07-31. Review status: criteria provided, single submitter. Criteria: GeneDx Variant Classification Process June 2021. Collection method: clinical testing. Allele origin: germline. Affected: yes.
Comment: Not observed in large population cohorts (Lek et al., 2016); In silico analysis, which includes protein predictors and evolutionary conservation, supports that this variant does not alter protein structure/function; Has not been previously published as pathogenic or benign to our knowledge